The following is an entry in ClinVar:

ClinVar aggregate classification (germline): Uncertain significance (1 of 4 stars; one submission).

Allele frequency attached by ClinVar (database versions not stated): gnomAD 0.00001; TOPMed 0.00001.
gnomAD v4.1: 2 of 1,597,646 alleles (0.00013%); highest among the groups gnomAD compares: African/African-American, 0.0013%; no homozygotes.

Submission:

Labcorp Genetics (formerly Invitae), Labcorp
Classification: Uncertain significance. Last evaluated: 2023-10-05. Review status: criteria provided, single submitter. Criteria: Invitae Variant Classification Sherloc (09022015). Collection method: clinical testing. Allele origin: germline.
Comment: This sequence change replaces valine, which is neutral and non-polar, with methionine, which is neutral and non-polar, at codon 1567 of the DCHS1 protein (p.Val1567Met). The frequency data for this variant in the population databases is considered unreliable, as metrics indicate poor data quality at this position in the gnomAD database. This variant has not been reported in the literature in individuals affected with DCHS1-related conditions. Advanced modeling of protein sequence and biophysical properties (such as structural, functional, and spatial information, amino acid conservation, physicochemical variation, residue mobility, and thermodynamic stability) performed at Invitae indicates that this missense variant is expected to disrupt DCHS1 protein function. In summary, the available evidence is currently insufficient to determine the role of this variant in disease. Therefore, it has been classified as a Variant of Uncertain Significance.

NM_003737.4(DCHS1):c.4699G>A (p.Val1567Met)

Gene: DCHS1 (dachsous cadherin-related 1; minus strand). Cytogenetic location: 11p15.4.
Variant type: single nucleotide variant.
Coding change: c.4699G>A on transcript NM_003737.4 (MANE Select); coding-DNA position 4699, G replaced by A.
Protein change: p.Val1567Met; replaces valine 1567 with methionine.
Molecular consequence: missense variant.
Genome position (GRCh38, 1-based): chr11:6,630,095, C>T on the plus strand (G>A on the coding strand, the complement: DCHS1 is on the minus strand). VCF-style: chr11-6630095-C-T. GRCh37 (hg19) VCF-style: chr11-6651326-C-T.
Other names: short protein forms V1567M.
Identifiers: ClinVar variation 2785794 (VCV002785794.3), dbSNP rs1296271502, ClinGen allele CA379400409.